The following is an entry in ClinVar:

NM_000540.3(RYR1):c.8227del (p.Leu2743fs)

Gene: RYR1 (ryanodine receptor 1; plus strand). Cytogenetic location: 19q13.2.
Variant type: Deletion.
Coding change: c.8227del on transcript NM_000540.3 (MANE Select); coding-DNA position 8227, one base deleted (C; older notation c.8227delC).
Protein change: p.Leu2743fs; shifts the reading frame from leucine 2743.
Molecular consequence: frameshift variant.
Genome position (GRCh38, 1-based): chr19:38,504,907, C deleted; the last of 3 consecutive C bases (chr19:38,504,905-38,504,907); deleting any one gives the same sequence. VCF-style (leftmost placement, unchanged base first): chr19-38504904-AC-A. GRCh37 (hg19) VCF-style: chr19-38995544-AC-A.
Other names: c.8227del, p.Leu2743fs (NM_001042723.2); short protein forms L2743fs.
Identifiers: ClinVar variation 2851324 (VCV002851324.3), dbSNP rs2514355269, ClinGen allele CA2739276823.

ClinVar aggregate classification (germline): Pathogenic (1 of 4 stars; one submission).

Conditions:
RYR1-related disorder. Also called: RYR1-related condition; RYR1-related disorders. Identifiers: MedGen CN239331.

Submission:

Labcorp Genetics (formerly Invitae), Labcorp
Classification: Pathogenic for RYR1-related disorder. Last evaluated: 2023-04-04. Review status: criteria provided, single submitter. Criteria: Invitae Variant Classification Sherloc (09022015). Collection method: clinical testing. Allele origin: germline.
Comment: This variant has not been reported in the literature in individuals affected with RYR1-related conditions. This sequence change creates a premature translational stop signal (p.Leu2743Serfs*3) in the RYR1 gene. It is expected to result in an absent or disrupted protein product. Loss-of-function variants in RYR1 are known to be pathogenic (PMID: 23919265, 25960145, 28818389, 30611313). This variant is not present in population databases (gnomAD no frequency). For these reasons, this variant has been classified as Pathogenic.

Literature cited by the submitters: PubMed 23919265; PubMed 25960145; PubMed 28818389; PubMed 30611313.